The following is an entry in ClinVar:

NM_001283009.2(RTEL1):c.275C>G (p.Ala92Gly)

Genes: RTEL1 (regulator of telomere elongation helicase 1; plus strand), RTEL1-TNFRSF6B (RTEL1-TNFRSF6B readthrough (NMD candidate); plus strand). Cytogenetic location: 20q13.33.
Variant type: single nucleotide variant.
Coding change: c.275C>G on transcript NM_001283009.2 (MANE Select); coding-DNA position 275, C replaced by G.
Protein change: p.Ala92Gly; replaces alanine 92 with glycine.
Molecular consequence: missense variant. On other transcripts: non-coding transcript variant (1), 5 prime UTR variant (1).
Genome position (GRCh38, 1-based): chr20:63,661,470, C>G. VCF-style: chr20-63661470-C-G. GRCh37 (hg19) VCF-style: chr20-62292823-C-G.
Other names: c.-395C>G (NM_001283010.1); c.275C>G, p.Ala92Gly (NM_016434.4, NM_032957.5); short protein forms A92G.
Identifiers: ClinVar variation 3761802 (VCV003761802.3).

ClinVar aggregate classification (germline): Uncertain significance. Review status: criteria provided, multiple submitters, no conflicts (2 of 4 stars). 2 submissions from 2 submitters: Uncertain significance (2). Last evaluated 2025-08-15.

Conditions:
Dyskeratosis congenita, autosomal recessive 5 (DKCB5). Identifiers: MedGen C3554656, MONDO:0014076, OMIM 615190.
Pulmonary fibrosis and/or bone marrow failure, Telomere-related, 3. Also called: PULMONARY FIBROSIS AND/OR BONE MARROW FAILURE SYNDROME, TELOMERE-RELATED, 3. Identifiers: Orphanet 2032, MedGen C4225346, MONDO:0014613, OMIM 616373.
Inborn genetic diseases. Identifiers: MedGen C0950123, MeSH D030342.

Submissions (2):

Ambry Genetics
Classification: Uncertain significance for Inborn genetic diseases. Last evaluated: 2025-08-15. Review status: criteria provided, single submitter. Criteria: Ambry Variant Classification Scheme 2023. Collection method: clinical testing. Allele origin: germline.
Comment: The p.A92G variant (also known as c.275C>G), located in coding exon 2 of the RTEL1 gene, results from a C to G substitution at nucleotide position 275. The alanine at codon 92 is replaced by glycine, an amino acid with similar properties. This amino acid position is conserved. In addition, this alteration is predicted to be tolerated by in silico analysis. Based on the available evidence, the clinical significance of this variant remains unclear.

Labcorp Genetics (formerly Invitae), Labcorp
Classification: Uncertain significance for Dyskeratosis congenita, autosomal recessive 5; Pulmonary fibrosis and/or bone marrow failure, Telomere-related, 3. Last evaluated: 2024-07-30. Review status: criteria provided, single submitter. Criteria: Invitae Variant Classification Sherloc (09022015). Collection method: clinical testing. Allele origin: germline.
Comment: This sequence change replaces alanine, which is neutral and non-polar, with glycine, which is neutral and non-polar, at codon 92 of the RTEL1 protein (p.Ala92Gly). The frequency data for this variant in the population databases is considered unreliable, as metrics indicate poor data quality at this position in the gnomAD database. This variant has not been reported in the literature in individuals affected with RTEL1-related conditions. An algorithm developed to predict the effect of missense changes on protein structure and function outputs the following: PolyPhen-2: "Benign". The glycine amino acid residue is found in multiple mammalian species, which suggests that this missense change does not adversely affect protein function. In summary, the available evidence is currently insufficient to determine the role of this variant in disease. Therefore, it has been classified as a Variant of Uncertain Significance.